The following is an entry in ClinVar:

ClinVar aggregate classification (germline): Likely pathogenic (1 of 4 stars; one submission).

Conditions:
Marfan syndrome (MFS). Also called: MARFAN SYNDROME, TYPE I; Marfan syndrome type 1; Marfan's syndrome; Marfan syndrome, classic; FBN1-Related Marfan Syndrome. Identifiers: Orphanet 284963, Orphanet 558, MedGen C0024796, MONDO:0007947, OMIM 154700.
Familial thoracic aortic aneurysm and aortic dissection (TAAD). Also called: Thoracic aortic aneurysms and dissections. Identifiers: Orphanet 91387, MedGen C4707243, MONDO:0019625.

Submission:

Labcorp Genetics (formerly Invitae), Labcorp
Classification: Likely pathogenic for Marfan syndrome; Familial thoracic aortic aneurysm and aortic dissection. Last evaluated: 2023-09-10. Review status: criteria provided, single submitter. Criteria: Invitae Variant Classification Sherloc (09022015). Collection method: clinical testing. Allele origin: germline.
Comment: In summary, the currently available evidence indicates that the variant is pathogenic, but additional data are needed to prove that conclusively. Therefore, this variant has been classified as Likely Pathogenic. Algorithms developed to predict the effect of sequence changes on RNA splicing suggest that this variant may disrupt the consensus splice site. This variant has not been reported in the literature in individuals affected with FBN1-related conditions. This variant is not present in population databases (gnomAD no frequency). This sequence change affects an acceptor splice site in intron 34 of the FBN1 gene. It is expected to disrupt RNA splicing. Variants that disrupt the donor or acceptor splice site typically lead to a loss of protein function (PMID: 16199547), and loss-of-function variants in FBN1 are known to be pathogenic (PMID: 17657824, 19293843).

Literature cited by the submitters: PubMed 16199547; PubMed 17657824; PubMed 19293843.

NM_000138.5(FBN1):c.4211-2A>G

Genes: FBN1 (fibrillin 1; minus strand), LOC126862124 (CDK7 strongly-dependent group 2 enhancer GRCh37_chr15:48764566-48765765; plus strand). Cytogenetic location: 15q21.1.
Variant type: single nucleotide variant.
Coding change: c.4211-2A>G on transcript NM_000138.5 (MANE Select); the canonical splice acceptor site of the intron before coding-DNA position 4211, A replaced by G.
Molecular consequence: splice acceptor variant.
Genome position (GRCh38, 1-based): chr15:48,472,678, T>C on the plus strand (A>G on the coding strand, the complement: FBN1 is on the minus strand). VCF-style: chr15-48472678-T-C. GRCh37 (hg19) VCF-style: chr15-48764875-T-C.
Other names: c.4211-2A>G (NM_001406716.1).
Identifiers: ClinVar variation 2938376 (VCV002938376.3), dbSNP rs2505513797, ClinGen allele CA392318187.